The following is an entry in ClinVar:

NM_212482.4(FN1):c.6275C>T (p.Pro2092Leu)

Gene: FN1 (fibronectin 1; minus strand). Cytogenetic location: 2q35.
Variant type: single nucleotide variant.
Coding change: c.6275C>T on transcript NM_212482.4 (MANE Select); coding-DNA position 6275, C replaced by T.
Protein change: p.Pro2092Leu; replaces proline 2092 with leucine.
Molecular consequence: missense variant. On other transcripts: intron variant (9).
Genome position (GRCh38, 1-based): chr2:215,372,348, G>A on the plus strand (C>T on the coding strand, the complement: FN1 is on the minus strand). VCF-style: chr2-215372348-G-A. GRCh37 (hg19) VCF-style: chr2-216237071-G-A.
Other names: c.6275C>T, p.Pro2092Leu (NM_001306129.2); c.5732C>T, p.Pro1911Leu (NM_001306131.2, NM_212476.3); c.6005C>T, p.Pro2002Leu (NM_001365517.2, NM_001365521.2); c.6002C>T, p.Pro2001Leu (NM_001365518.2, NM_002026.4); c.5705-333C>T (NM_212474.3); c.5705-48C>T (NM_001306132.2, NM_001365523.2); c.5975-333C>T (NM_001365524.2); c.5975-48C>T (NM_212478.3, NM_001365520.2); and 2 more; short protein forms P2001L, P2092L, P1911L, P2002L.
Identifiers: ClinVar variation 4699917 (VCV004699917.1).

ClinVar aggregate classification (germline): Uncertain significance (1 of 4 stars; one submission).

gnomAD v4.1: 10 of 1,614,056 alleles (0.00062%); highest among the groups gnomAD compares: African/African-American, 0.0053%; no homozygotes.

Submission:

Labcorp Genetics (formerly Invitae), Labcorp
Classification: Uncertain significance. Last evaluated: 2025-04-14. Review status: criteria provided, single submitter. Criteria: Invitae Variant Classification Sherloc (09022015). Collection method: clinical testing. Allele origin: germline.
Comment: This sequence change replaces proline, which is neutral and non-polar, with leucine, which is neutral and non-polar, at codon 2092 of the FN1 protein (p.Pro2092Leu). This variant is present in population databases (rs758267993, gnomAD 0.007%). This variant has not been reported in the literature in individuals affected with FN1-related conditions. An algorithm developed to predict the effect of missense changes on protein structure and function (PolyPhen-2) suggests that this variant is likely to be disruptive. In summary, the available evidence is currently insufficient to determine the role of this variant in disease. Therefore, it has been classified as a Variant of Uncertain Significance.